The following is an entry in ClinVar:

NM_032930.3(CFAP300):c.776A>G (p.His259Arg)

Gene: CFAP300 (cilia and flagella associated protein 300; plus strand). Cytogenetic location: 11q22.1.
Variant type: single nucleotide variant.
Coding change: c.776A>G on transcript NM_032930.3 (MANE Select); coding-DNA position 776, A replaced by G.
Protein change: p.His259Arg; replaces histidine 259 with arginine.
Molecular consequence: missense variant.
Genome position (GRCh38, 1-based): chr11:102,083,171, A>G. VCF-style: chr11-102083171-A-G. GRCh37 (hg19) VCF-style: chr11-101953902-A-G.
Other names: c.704A>G, p.His235Arg (NM_001363505.2); short protein forms H259R, H235R.
Identifiers: ClinVar variation 549858 (VCV000549858.4), dbSNP rs1555071691, ClinGen allele CA6246120.
Genomic context (GRCh38, chr11:102,083,171, plus strand): 5'-AACAGACATTTTCTTACTTTATTGTGGATCCTATCAGGCGTCACCTTCATGTTTTATACC[A>G]CTGTTATGGTGTGGGAGACATGTCTTAATGTTCTTTCAGATTATGTACCTCTACTATTTT-3'
Protein context (NP_116319.2, residues 249-267): PIRRHLHVLY[His259Arg]CYGVGDMS

ClinVar aggregate classification (germline): Pathogenic/Likely pathogenic. Review status: criteria provided, multiple submitters, no conflicts (2 of 4 stars). 4 submissions from 4 submitters: Pathogenic (2); Likely pathogenic (1). 1 of the submissions does not count toward it. Last evaluated 2025-02-27.

Conditions:
C11ORF70 & CFAP300-related disorders.
Ciliary dyskinesia, primary, 38 (CILD38). Also called: CILIARY DYSKINESIA, PRIMARY, 38, WITH OR WITHOUT SITUS INVERSUS. Identifiers: MedGen C4748052, MONDO:0054843, OMIM 618063.

Allele frequency attached by ClinVar (database versions not stated): ExAC 0.00001; gnomAD exomes 0.00001 and 0.00002; TOPMed below 0.00001.
gnomAD v4.1: 9 of 1,542,406 alleles (0.00058%); highest among the groups gnomAD compares: South Asian, 0.012%; no homozygotes.

Submissions (4):

Labcorp Genetics (formerly Invitae), Labcorp
Classification: Pathogenic. Last evaluated: 2025-02-27. Review status: criteria provided, single submitter. Criteria: Invitae Variant Classification Sherloc (09022015). Collection method: clinical testing. Allele origin: germline.
Comment: This sequence change replaces histidine, which is basic and polar, with arginine, which is basic and polar, at codon 259 of the C11orf70 protein (p.His259Arg). This variant is present in population databases (no rsID available, gnomAD 0.01%). This missense change has been observed in individual(s) with primary ciliary dyskinesia (PMID: 29727692). It has also been observed to segregate with disease in related individuals. ClinVar contains an entry for this variant (Variation ID: 549858). Invitae Evidence Modeling of protein sequence and biophysical properties (such as structural, functional, and spatial information, amino acid conservation, physicochemical variation, residue mobility, and thermodynamic stability) indicates that this missense variant is expected to disrupt C11orf70 protein function with a positive predictive value of 80%. For these reasons, this variant has been classified as Pathogenic.

Department of Human Genetics, Hannover Medical School
Classification: Likely pathogenic for Ciliary dyskinesia, primary, 38. Last evaluated: 2023-05-25. Review status: criteria provided, single submitter. Criteria: ACMG Guidelines, 2015. Collection method: clinical testing. Allele origin: germline. Inheritance: Autosomal recessive inheritance. Affected: yes.

Blueprint Genetics
Classification: Pathogenic for C11ORF70 & CFAP300-related disorders. Last evaluated: 2020-12-09. Review status: criteria provided, single submitter. Criteria: ACMG Guidelines, 2015. Collection method: clinical testing. Allele origin: germline. Affected: yes. Observed: 3 variant alleles.

OMIM
Classification: Pathogenic for CILIARY DYSKINESIA, PRIMARY, 38. Last evaluated: 2018-07-30. Review status: no assertion criteria provided. Collection method: literature only. Allele origin: germline. Not counted in ClinVar's aggregate classification.

Literature cited by the submitters: PubMed 29727692 (cited by Labcorp Genetics (formerly Invitae), Labcorp and OMIM).